The following is an entry in ClinVar:

ClinVar aggregate classification (germline): Uncertain significance (1 of 4 stars; one submission).

Conditions:
Inborn genetic diseases. Identifiers: MedGen C0950123, MeSH D030342.

Submission:

Ambry Genetics
Classification: Uncertain significance for Inborn genetic diseases. Last evaluated: 2025-04-05. Review status: criteria provided, single submitter. Criteria: Ambry Variant Classification Scheme 2023. Collection method: clinical testing. Allele origin: germline.
Comment: The p.S702C variant (also known as c.2105C>G), located in coding exon 1 of the SAMD9L gene, results from a C to G substitution at nucleotide position 2105. The serine at codon 702 is replaced by cysteine, an amino acid with dissimilar properties. This amino acid position is conserved. In addition, this alteration is predicted to be tolerated by in silico analysis. Based on the available evidence, the clinical significance of this variant remains unclear.

NM_152703.5(SAMD9L):c.2105C>G (p.Ser702Cys)

Gene: SAMD9L (sterile alpha motif domain containing 9 like; minus strand). Cytogenetic location: 7q21.2.
Variant type: single nucleotide variant.
Coding change: c.2105C>G on transcript NM_152703.5 (MANE Select); coding-DNA position 2105, C replaced by G.
Protein change: p.Ser702Cys; replaces serine 702 with cysteine.
Molecular consequence: missense variant.
Genome position (GRCh38, 1-based): chr7:93,133,867, G>C on the plus strand (C>G on the coding strand, the complement: SAMD9L is on the minus strand). VCF-style: chr7-93133867-G-C. GRCh37 (hg19) VCF-style: chr7-92763180-G-C.
Other names: c.2105C>G, p.Ser702Cys (NM_001303496.3, NM_001303497.3, NM_001303498.3 and 5 more transcripts); short protein forms S702C.
Identifiers: ClinVar variation 3949807 (VCV003949807.1).